The following is an entry in ClinVar:

NM_000557.5(GDF5):c.299G>C (p.Arg100Thr)

Gene: GDF5 (growth differentiation factor 5; minus strand). Cytogenetic location: 20q11.22.
Variant type: single nucleotide variant.
Coding change: c.299G>C on transcript NM_000557.5 (MANE Select); coding-DNA position 299, G replaced by C.
Protein change: p.Arg100Thr; replaces arginine 100 with threonine.
Molecular consequence: missense variant.
Genome position (GRCh38, 1-based): chr20:35,437,630, C>G on the plus strand (G>C on the coding strand, the complement: GDF5 is on the minus strand). VCF-style: chr20-35437630-C-G. GRCh37 (hg19) VCF-style: chr20-34025410-C-G.
Other names: c.299G>C, p.Arg100Thr (NM_001319138.2); short protein forms R100T.
Identifiers: ClinVar variation 1446667 (VCV001446667.6), dbSNP rs1158506896, ClinGen allele CA408744243.

ClinVar aggregate classification (germline): Uncertain significance (1 of 4 stars; one submission).

Submission:

Labcorp Genetics (formerly Invitae), Labcorp
Classification: Uncertain significance. Last evaluated: 2022-07-06. Review status: criteria provided, single submitter. Criteria: Invitae Variant Classification Sherloc (09022015). Collection method: clinical testing. Allele origin: germline.
Comment: This sequence change replaces arginine, which is basic and polar, with threonine, which is neutral and polar, at codon 100 of the GDF5 protein (p.Arg100Thr). This variant is present in population databases (no rsID available, gnomAD 0.007%). This variant has not been reported in the literature in individuals affected with GDF5-related conditions. ClinVar contains an entry for this variant (Variation ID: 1446667). Algorithms developed to predict the effect of missense changes on protein structure and function (SIFT, PolyPhen-2, Align-GVGD) all suggest that this variant is likely to be tolerated. In summary, the available evidence is currently insufficient to determine the role of this variant in disease. Therefore, it has been classified as a Variant of Uncertain Significance.